The following is an entry in ClinVar:

NM_176787.5(PIGN):c.2271_2283+1del

Gene: PIGN (phosphatidylinositol glycan anchor biosynthesis class N; minus strand). Cytogenetic location: 18q21.33.
Variant type: Deletion.
Coding change: c.2271_2283+1del on transcript NM_176787.5 (MANE Select); coding-DNA position 2271 through the canonical splice donor site of the intron after coding-DNA position 2283, 14 bases deleted (CTGTAAACAAAAGG).
Molecular consequence: splice donor variant.
Genome position (GRCh38, 1-based): chr18:62,090,475-62,090,488, CCTTTTGTTTACAG deleted on the plus strand (CTGTAAACAAAAGG on the coding strand, the reverse complement: PIGN is on the minus strand); deleting any 14 consecutive bases within chr18:62,090,475-62,090,489 gives the same sequence; the c. name uses the placement nearest the transcript's 3' end. VCF-style (leftmost placement, unchanged base first): chr18-62090474-ACCTTTTGTTTACAG-A. GRCh37 (hg19) VCF-style: chr18-59757707-ACCTTTTGTTTACAG-A.
Other names: c.2271_2283+1del (NM_012327.6).
Identifiers: ClinVar variation 970289 (VCV000970289.7), dbSNP rs2033903740, ClinGen allele CA1139666151.
Genomic context (GRCh38, chr18:62,090,474, plus strand): 5'-CTTCCTTATAGGATAGAGACTAATAGTCTCAAATAAAAACAAAAATGACTTTGACCAGCT[ACCTTTTGTTTACAG>A]CAAACACCAGATTGTTGTAGAGTTTCTTGTTCTATGTTTATCCAGACAAACATCAAACAA-3'

ClinVar aggregate classification (germline): Likely pathogenic (1 of 4 stars; one submission).

Conditions:
Multiple congenital anomalies-hypotonia-seizures syndrome 1 (MCAHS1). Also called: PIGN-CDG; Congenital disorder of glycosylation due to PIGN deficiency; GLYCOSYLPHOSPHATIDYLINOSITOL BIOSYNTHESIS DEFECT 3. Identifiers: Orphanet 280633, MedGen C3279775, MONDO:0013563, OMIM 614080.

Submission:

Labcorp Genetics (formerly Invitae), Labcorp
Classification: Likely pathogenic for Multiple congenital anomalies-hypotonia-seizures syndrome 1. Last evaluated: 2020-03-29. Review status: criteria provided, single submitter. Criteria: Invitae Variant Classification Sherloc (09022015). Collection method: clinical testing. Allele origin: germline.
Comment: In summary, the currently available evidence indicates that the variant is pathogenic, but additional data are needed to prove that conclusively. Therefore, this variant has been classified as Likely Pathogenic. Loss-of-function variants in PIGN are known to be pathogenic (PMID: 24253414, 27038415). Algorithms developed to predict the effect of sequence changes on RNA splicing suggest that this variant may disrupt the consensus splice site, but this prediction has not been confirmed by published transcriptional studies. This variant has not been reported in the literature in individuals with PIGN-related conditions. This variant is not present in population databases (ExAC no frequency). This variant results in the deletion of part of exon 24 (c.2271_2283+1del) of the PIGN gene. It is expected to disrupt RNA splicing and likely results in an absent or disrupted protein product.

Literature cited by the submitters: PubMed 24253414; PubMed 27038415.